The following is an entry in ClinVar:

ClinVar aggregate classification (germline): Likely benign. Review status: criteria provided, single submitter (1 of 4 stars). 2 submissions from 2 submitters: Likely benign (1). 1 of the submissions does not count toward it. Last evaluated 2023-08-31.

Conditions:
SLC52A2-related disorder. Also called: SLC52A2-related condition.
Brown-Vialetto-van Laere syndrome 2. Also called: Riboflavin transporter deficiency type 2; SPINOCEREBELLAR ATAXIA WITH BLINDNESS AND DEAFNESS 2. Identifiers: Orphanet 572543, Orphanet 97229, MedGen C3553538, MONDO:0013867, OMIM 614707.

Allele frequency attached by ClinVar (database versions not stated): gnomAD 0.00001 and 0.00002; ESP Exome Variant Server 0.00008; gnomAD exomes 0.00001; TOPMed 0.00001.

Submissions (2):

Labcorp Genetics (formerly Invitae), Labcorp
Classification: Likely benign for Brown-Vialetto-van Laere syndrome 2. Last evaluated: 2023-08-31. Review status: criteria provided, single submitter. Criteria: Invitae Variant Classification Sherloc (09022015). Collection method: clinical testing. Allele origin: germline.

PreventionGenetics, part of Exact Sciences
Classification: Likely benign for SLC52A2-related condition. Last evaluated: 2021-10-22. Review status: no assertion criteria provided. Collection method: clinical testing. Allele origin: germline. Not counted in ClinVar's aggregate classification.
Comment: This variant is classified as likely benign based on ACMG/AMP sequence variant interpretation guidelines (Richards et al. 2015 PMID: 25741868, with internal and published modifications).

NM_001363118.2(SLC52A2):c.1126-8C>T

Gene: SLC52A2 (solute carrier family 52 member 2; plus strand). Cytogenetic location: 8q24.3.
Variant type: single nucleotide variant.
Coding change: c.1126-8C>T on transcript NM_001363118.2 (MANE Select); 8 bases into the intron before coding-DNA position 1126, C replaced by T.
Molecular consequence: intron variant.
Genome position (GRCh38, 1-based): chr8:144,360,795, C>T. VCF-style: chr8-144360795-C-T. GRCh37 (hg19) VCF-style: chr8-145584455-C-T.
Other names: c.1126-8C>T (NM_001253816.1, NM_001253816.2, NM_001363121.2 and 3 more transcripts); c.634-8C>T (NM_001363122.2).
Identifiers: ClinVar variation 1155291 (VCV001155291.9), dbSNP rs374205790, ClinGen allele CA187657783.
Genomic context (GRCh38, chr8:144,360,795, plus strand): 5'-GTGGGGTGGGGGGGCGTTGCCCTGGAGCAGGCACATCTCACGCTCAGCTGGTGCTGTGTC[C>T]CCCTCAGGTGCTGTCGTGGGTGCTGTGTCTTGGCGTGTTCTCCTACGTGAAGGTGGCAGC-3'